The following is an entry in ClinVar:

ClinVar aggregate classification (germline): Uncertain significance (1 of 4 stars; one submission).

Conditions:
Spastic paraplegia. Identifiers: MedGen C0037772, HP:0001258.

Allele frequency attached by ClinVar (database versions not stated): TOPMed below 0.00001.

Submission:

Labcorp Genetics (formerly Invitae), Labcorp
Classification: Uncertain significance for Spastic paraplegia. Last evaluated: 2021-12-20. Review status: criteria provided, single submitter. Criteria: Invitae Variant Classification Sherloc (09022015). Collection method: clinical testing. Allele origin: germline.
Comment: Algorithms developed to predict the effect of missense changes on protein structure and function are either unavailable or do not agree on the potential impact of this missense change (SIFT: "Deleterious"; PolyPhen-2: "Probably Damaging"; Align-GVGD: "Class C0"). In summary, the available evidence is currently insufficient to determine the role of this variant in disease. Therefore, it has been classified as a Variant of Uncertain Significance. This variant has not been reported in the literature in individuals affected with ZFYVE26-related conditions. This variant is not present in population databases (gnomAD no frequency). This sequence change replaces tryptophan, which is neutral and slightly polar, with serine, which is neutral and polar, at codon 948 of the ZFYVE26 protein (p.Trp948Ser).

NM_015346.4(ZFYVE26):c.2843G>C (p.Trp948Ser)

Gene: ZFYVE26 (zinc finger FYVE-type containing 26; minus strand). Cytogenetic location: 14q24.1.
Variant type: single nucleotide variant.
Coding change: c.2843G>C on transcript NM_015346.4 (MANE Select); coding-DNA position 2843, G replaced by C.
Protein change: p.Trp948Ser; replaces tryptophan 948 with serine.
Molecular consequence: missense variant.
Genome position (GRCh38, 1-based): chr14:67,789,511, C>G on the plus strand (G>C on the coding strand, the complement: ZFYVE26 is on the minus strand). VCF-style: chr14-67789511-C-G. GRCh37 (hg19) VCF-style: chr14-68256228-C-G.
Other names: short protein forms W948S.
Identifiers: ClinVar variation 2157711 (VCV002157711.4), dbSNP rs2039754968, ClinGen allele CA390173549.